The following is an entry in ClinVar:

ClinVar aggregate classification (germline): Uncertain significance (1 of 4 stars; one submission).

Conditions:
Inborn genetic diseases. Identifiers: MedGen C0950123, MeSH D030342.

gnomAD v4.1: 2 of 1,614,158 alleles (0.00012%); highest among the groups gnomAD compares: South Asian, 0.0022%; 1 homozygote.

Submission:

Ambry Genetics
Classification: Uncertain significance for Inborn genetic diseases. Last evaluated: 2024-11-02. Review status: criteria provided, single submitter. Criteria: Ambry Variant Classification Scheme 2023. Collection method: clinical testing. Allele origin: germline.
Comment: The p.G24R variant (also known as c.70G>C), located in coding exon 1 of the SMAD2 gene, results from a G to C substitution at nucleotide position 70. The glycine at codon 24 is replaced by arginine, an amino acid with dissimilar properties. This amino acid position is conserved. In addition, the in silico prediction for this alteration is inconclusive. Based on the available evidence, the clinical significance of this variant remains unclear.

NM_005901.6(SMAD2):c.70G>C (p.Gly24Arg)

Gene: SMAD2 (SMAD family member 2; minus strand). Cytogenetic location: 18q21.1.
Variant type: single nucleotide variant.
Coding change: c.70G>C on transcript NM_005901.6 (MANE Select); coding-DNA position 70, G replaced by C.
Protein change: p.Gly24Arg; replaces glycine 24 with arginine.
Molecular consequence: missense variant.
Genome position (GRCh38, 1-based): chr18:47,896,687, C>G on the plus strand (G>C on the coding strand, the complement: SMAD2 is on the minus strand). VCF-style: chr18-47896687-C-G. GRCh37 (hg19) VCF-style: chr18-45423058-C-G.
Other names: c.70G>C, p.Gly24Arg (NM_001003652.4, NM_001135937.3); short protein forms G24R.
Identifiers: ClinVar variation 3445806 (VCV003445806.1).